The following is an entry in ClinVar:

ClinVar aggregate classification (germline): Uncertain significance (1 of 4 stars; one submission).

gnomAD v4.1: 1 of 1,614,200 alleles (0.000062%); no homozygotes.

Submission:

Labcorp Genetics (formerly Invitae), Labcorp
Classification: Uncertain significance. Last evaluated: 2024-04-20. Review status: criteria provided, single submitter. Criteria: Invitae Variant Classification Sherloc (09022015). Collection method: clinical testing. Allele origin: germline.
Comment: This sequence change replaces isoleucine, which is neutral and non-polar, with phenylalanine, which is neutral and non-polar, at codon 1952 of the ARID1A protein (p.Ile1952Phe). This variant is present in population databases (rs767009507, gnomAD no frequency). This variant has not been reported in the literature in individuals affected with ARID1A-related conditions. Advanced modeling of protein sequence and biophysical properties (such as structural, functional, and spatial information, amino acid conservation, physicochemical variation, residue mobility, and thermodynamic stability) performed at Invitae indicates that this missense variant is not expected to disrupt ARID1A protein function with a negative predictive value of 80%. In summary, the available evidence is currently insufficient to determine the role of this variant in disease. Therefore, it has been classified as a Variant of Uncertain Significance.

NM_006015.6(ARID1A):c.5854A>T (p.Ile1952Phe)

Gene: ARID1A (AT-rich interaction domain 1A; plus strand). Cytogenetic location: 1p36.11.
Variant type: single nucleotide variant.
Coding change: c.5854A>T on transcript NM_006015.6 (MANE Select); coding-DNA position 5854, A replaced by T.
Protein change: p.Ile1952Phe; replaces isoleucine 1952 with phenylalanine.
Molecular consequence: missense variant.
Genome position (GRCh38, 1-based): chr1:26,779,752, A>T. VCF-style: chr1-26779752-A-T. GRCh37 (hg19) VCF-style: chr1-27106243-A-T.
Other names: c.5203A>T, p.Ile1735Phe (NM_139135.4); short protein forms I1735F, I1952F.
Identifiers: ClinVar variation 3690001 (VCV003690001.2).